The following is an entry in ClinVar:

ClinVar aggregate classification (germline): Benign. Review status: criteria provided, multiple submitters, no conflicts (2 of 4 stars). 15 submissions from 13 submitters: Benign (12). 3 of the submissions do not count toward it. Last evaluated 2026-02-04.

Conditions:
Dystonia 27 (DYT27). Identifiers: Orphanet 464440, MedGen C4225336, MONDO:0014627, OMIM 616411.
Ullrich congenital muscular dystrophy 1A. Also called: Ullrich congenital muscular dystrophy 1; Intermediate COL6-RD. Identifiers: Orphanet 75840, MedGen C0410179, MONDO:0009681, OMIM 254090.
Collagen 6-related myopathy. Identifiers: MedGen CN117976, MONDO:0100225.
Bethlem myopathy 1A. Also called: Bethlem myopathy 1; Bethlem Muscular Dystrophy; MYOPATHY, BENIGN CONGENITAL, WITH CONTRACTURES. Identifiers: Orphanet 610, MedGen CN029274, MONDO:0024530, OMIM 158810.

Allele frequency attached by ClinVar (database versions not stated): TOPMed 0.25069; 1000 Genomes Project 0.26558; 1000 Genomes Project 30x 0.27186; ESP Exome Variant Server 0.23435; gnomAD 0.23421.
gnomAD v4.1: 366,782 of 1,613,952 alleles (23%); highest among the groups gnomAD compares: Admixed American, 31%; 42,768 homozygotes.

Submissions (15):

Labcorp Genetics (formerly Invitae), Labcorp
Classification: Benign for Bethlem myopathy 1A. Last evaluated: 2026-02-04. Review status: criteria provided, single submitter. Criteria: Invitae Variant Classification Sherloc (09022015). Collection method: clinical testing. Allele origin: germline.

Unidad de Genómica Garrahan, Hospital de Pediatría Garrahan
Classification: Benign. Last evaluated: 2024-07-31. Review status: criteria provided, single submitter. Criteria: ACMG Guidelines, 2015. Collection method: clinical testing. Allele origin: germline. Affected: no. Observed: 53 variant alleles.
Comment: This variant is classified as Benign based on local population frequency. This variant was detected in 57% of patients studied in a panel designed for Epileptic and Developmental Encephalopathy, Progressive Myoclonus Epilepsy and Abnormal Movements and Neurodegeneration with brain iron accumulation. Number of patients: 53. Only high quality variants are reported.

Genome-Nilou Lab
Classification: Benign for Bethlem myopathy 1A. Last evaluated: 2021-07-30. Review status: criteria provided, single submitter. Criteria: ACMG Guidelines, 2015. Collection method: clinical testing. Allele origin: germline. Affected: no.

Genome-Nilou Lab
Classification: Benign for Dystonia 27. Last evaluated: 2021-07-30. Review status: criteria provided, single submitter. Criteria: ACMG Guidelines, 2015. Collection method: clinical testing. Allele origin: germline. Affected: no.

Genome-Nilou Lab
Classification: Benign for Ullrich congenital muscular dystrophy 1A. Last evaluated: 2021-07-30. Review status: criteria provided, single submitter. Criteria: ACMG Guidelines, 2015. Collection method: clinical testing. Allele origin: germline. Affected: no.

Illumina Laboratory Services, Illumina
Classification: Benign for Collagen VI-related myopathy. Last evaluated: 2018-01-13. Review status: criteria provided, single submitter. Criteria: ICSL Variant Classification Criteria 13 December 2019. Collection method: clinical testing. Allele origin: germline.
Comment: This variant was observed in the ICSL laboratory as part of a predisposition screen in an ostensibly healthy population. It had not been previously curated by ICSL or reported in the Human Gene Mutation Database (HGMD: prior to June 1st, 2018), and was therefore a candidate for classification through an automated scoring system. Utilizing variant allele frequency, disease prevalence and penetrance estimates, and inheritance mode, an automated score was calculated to assess if this variant is too frequent to cause the disease. Based on the score and internal cut-off values, a variant classified as benign is not then subjected to further curation. The score for this variant resulted in a classification of benign for this disease.

Mayo Clinic Laboratories, Mayo Clinic
Classification: Benign. Last evaluated: 2017-07-12. Review status: criteria provided, single submitter. Criteria: ACMG Guidelines, 2015. Collection method: clinical testing. Allele origin: germline. Observed: 305 variant alleles.

GeneDx
Classification: Benign. Last evaluated: 2016-02-02. Review status: criteria provided, single submitter. Criteria: GeneDx Variant Classification (06012015). Collection method: clinical testing. Allele origin: germline. Affected: yes.
Comment: This variant is considered likely benign or benign based on one or more of the following criteria: it is a conservative change, it occurs at a poorly conserved position in the protein, it is predicted to be benign by multiple in silico algorithms, and/or has population frequency not consistent with disease.

Genetic Services Laboratory, University of Chicago
Classification: Benign for AllHighlyPenetrant. Last evaluated: 2013-08-15. Review status: criteria provided, single submitter. Criteria: ACMG Guidelines, 2007. Collection method: clinical testing. Allele origin: germline.

Eurofins Ntd Llc (ga)
Classification: Benign. Last evaluated: 2012-07-31. Review status: criteria provided, single submitter. Criteria: EGL Classification Definitions 2015. Collection method: clinical testing. Allele origin: germline. Observed: 40 variant alleles, 36 heterozygotes, 4 homozygotes.

Breakthrough Genomics
Classification: Benign. Review status: criteria provided, single submitter. Criteria: ACMG Guidelines, 2015. Collection method: not provided. Allele origin: germline. Inheritance: Autosomal recessive inheritance. Affected: yes.

PreventionGenetics, part of Exact Sciences
Classification: Benign. Review status: criteria provided, single submitter. Criteria: ACMG Guidelines, 2015. Collection method: clinical testing. Allele origin: germline.

Clinical Genetics, Academic Medical Center
Classification: Benign. Review status: no assertion criteria provided. Collection method: clinical testing. Allele origin: germline. Affected: yes. Study: VKGL Data-share Consensus. Not counted in ClinVar's aggregate classification.

Genome Diagnostics Laboratory, University Medical Center Utrecht
Classification: Benign. Review status: no assertion criteria provided. Collection method: clinical testing. Allele origin: germline. Affected: yes. Study: VKGL Data-share Consensus. Not counted in ClinVar's aggregate classification.

Joint Genome Diagnostic Labs from Nijmegen and Maastricht, Radboudumc and MUMC+
Classification: Benign. Review status: no assertion criteria provided. Collection method: clinical testing. Allele origin: germline. Affected: yes. Study: VKGL Data-share Consensus. Not counted in ClinVar's aggregate classification.

NM_004369.4(COL6A3):c.4533G>T (p.Gly1511=)

Gene: COL6A3 (collagen type VI alpha 3 chain; minus strand). Cytogenetic location: 2q37.3.
Variant type: single nucleotide variant.
Coding change: c.4533G>T on transcript NM_004369.4 (MANE Select); coding-DNA position 4533, G replaced by T.
Protein change: p.Gly1511=; no amino-acid change (glycine 1511 retained).
Molecular consequence: synonymous variant.
Genome position (GRCh38, 1-based): chr2:237,368,930, C>A on the plus strand (G>T on the coding strand, the complement: COL6A3 is on the minus strand). VCF-style: chr2-237368930-C-A. GRCh37 (hg19) VCF-style: chr2-238277573-C-A.
Other names: p.Gly1511=; c.2712G>T, p.Gly904= (NM_057166.5); c.3915G>T, p.Gly1305= (NM_057167.4).
Identifiers: ClinVar variation 94936 (VCV000094936.31), dbSNP rs2645774, ClinGen allele CA147968.